The following is an entry in ClinVar:

NM_001166108.2(PALLD):c.1965-12937C>T

Gene: PALLD (palladin, cytoskeletal associated protein; plus strand). Cytogenetic location: 4q32.3.
Variant type: single nucleotide variant.
Coding change: c.1965-12937C>T on transcript NM_001166108.2 (MANE Select); 12937 bases into the intron before coding-DNA position 1965, C replaced by T.
Molecular consequence: intron variant. On other transcripts: missense variant (1).
Genome position (GRCh38, 1-based): chr4:168,877,985, C>T. VCF-style: chr4-168877985-C-T. GRCh37 (hg19) VCF-style: chr4-169799136-C-T.
Other names: c.94C>T, p.Leu32Phe (NM_001166110.2); c.1965-12937C>T (NM_016081.4); c.819-12937C>T (NM_001166109.2); c.-157-12937C>T (NM_001367570.1, NM_001367568.1, NM_001367567.1 and 1 more transcripts); short protein forms L32F.
Identifiers: ClinVar variation 216541 (VCV000216541.9), dbSNP rs863224705, ClinGen allele CA336334.
Genomic context (GRCh38, chr4:168,877,985, plus strand): 5'-ATGCAGTCCTCCGGCTCCTTCAACTACGCGCGCCCCAAGCAGTTCATCGCCGCGCAGAAC[C>T]TCGGGCCCGCGTCGGGCCACGGCACGCCGGCCTCCAGCCCCAGCTCGTCCAGCCTCCCGT-3'

ClinVar aggregate classification (germline): Uncertain significance. Review status: criteria provided, multiple submitters, no conflicts (2 of 4 stars). 2 submissions from 2 submitters: Uncertain significance (2). Last evaluated 2025-10-22.

Conditions:
Pancreatic adenocarcinoma. Identifiers: MedGen C0281361, MONDO:0006047, HP:0006725.

Allele frequency attached by ClinVar (database versions not stated): gnomAD exomes below 0.00001; TOPMed 0.00001; gnomAD 0.00002.
gnomAD v4.1: 8 of 1,500,654 alleles (0.00053%); highest among the groups gnomAD compares: African/African-American, 0.0015%; no homozygotes.

Submissions (2):

Ambry Genetics
Classification: Uncertain significance. Last evaluated: 2025-10-22. Review status: criteria provided, single submitter. Criteria: Ambry Variant Classification Scheme 2023. Collection method: clinical testing. Allele origin: germline.

Labcorp Genetics (formerly Invitae), Labcorp
Classification: Uncertain significance for Pancreatic adenocarcinoma. Last evaluated: 2015-02-26. Review status: criteria provided, single submitter. Criteria: Invitae Variant Classification Sherloc (09022015). Collection method: clinical testing. Allele origin: germline.
Comment: In summary, this is a novel missense change that is not predicted to affect protein function or cause disease. However the evidence is insufficient at this time to prove that conclusively. It has been classified as a Variant of Uncertain Significance. This variant has not been published in the literature and is not present in population databases. Algorithms developed to predict the effect of missense changes on protein structure and function (SIFT, PolyPhen-2, Align-GVGD) all suggest that this variant is likely to be tolerated, but these predictions have not been confirmed by published functional studies. This sequence change replaces leucine with phenylalanine at codon 32 of the PALLD protein (p.Leu32Phe). The leucine residue is weakly conserved and there is a small physicochemical difference between leucine and phenylalanine.